The following is an entry in ClinVar:

NM_000435.3(NOTCH3):c.5750C>T (p.Ala1917Val)

Gene: NOTCH3 (notch receptor 3; minus strand). Cytogenetic location: 19p13.12.
Variant type: single nucleotide variant.
Coding change: c.5750C>T on transcript NM_000435.3 (MANE Select); coding-DNA position 5750, C replaced by T.
Protein change: p.Ala1917Val; replaces alanine 1917 with valine.
Molecular consequence: missense variant.
Genome position (GRCh38, 1-based): chr19:15,165,433, G>A on the plus strand (C>T on the coding strand, the complement: NOTCH3 is on the minus strand). VCF-style: chr19-15165433-G-A. GRCh37 (hg19) VCF-style: chr19-15276244-G-A.
Other names: c.5750C>T (NM_000435.2); short protein forms A1917V.
Identifiers: ClinVar variation 1932722 (VCV001932722.6), dbSNP rs2145390978, ClinGen allele CA404493551.
Genomic context (GRCh38, chr19:15,165,433, plus strand): 5'-TCATCCACAGCATTGACATCAGCATGGCTGGCGATGAGCTCTTCCACCATGCCCTCTACT[G>A]CCAGGCGGGCCGCCAGGATCAGTGCCGTTGAGCCATCTGCCATGCGGGCATCCAAGTCTG-3'
Protein context (NP_000426.2, residues 1907-1927): STALILAARL[Ala1917Val]VEGMVEELIA

ClinVar aggregate classification (germline): Uncertain significance. Review status: criteria provided, multiple submitters, no conflicts (2 of 4 stars). 2 submissions from 2 submitters: Uncertain significance (2). Last evaluated 2025-02-08.

Conditions:
Inborn genetic diseases. Identifiers: MedGen C0950123, MeSH D030342.

Submissions (2):

Ambry Genetics
Classification: Uncertain significance for Inborn genetic diseases. Last evaluated: 2025-02-08. Review status: criteria provided, single submitter. Criteria: Ambry Variant Classification Scheme 2023. Collection method: clinical testing. Allele origin: germline.

Labcorp Genetics (formerly Invitae), Labcorp
Classification: Uncertain significance. Last evaluated: 2024-12-20. Review status: criteria provided, single submitter. Criteria: Invitae Variant Classification Sherloc (09022015). Collection method: clinical testing. Allele origin: germline.
Comment: This sequence change replaces alanine, which is neutral and non-polar, with valine, which is neutral and non-polar, at codon 1917 of the NOTCH3 protein (p.Ala1917Val). This variant is not present in population databases (gnomAD no frequency). This variant has not been reported in the literature in individuals affected with NOTCH3-related conditions. ClinVar contains an entry for this variant (Variation ID: 1932722). Invitae Evidence Modeling of protein sequence and biophysical properties (such as structural, functional, and spatial information, amino acid conservation, physicochemical variation, residue mobility, and thermodynamic stability) indicates that this missense variant is not expected to disrupt NOTCH3 protein function with a negative predictive value of 95%. In summary, the available evidence is currently insufficient to determine the role of this variant in disease. Therefore, it has been classified as a Variant of Uncertain Significance.